The following is an entry in ClinVar:

ClinVar aggregate classification (germline): Uncertain significance (1 of 4 stars; one submission).

Allele frequency attached by ClinVar (database versions not stated): gnomAD exomes 0.00001.
gnomAD v4.1: 9 of 1,607,188 alleles (0.00056%); highest among the groups gnomAD compares: Non-Finnish European, 0.00076%; no homozygotes.

Submission:

CeGaT Center for Human Genetics Tuebingen
Classification: Uncertain significance. Last evaluated: 2023-08-01. Review status: criteria provided, single submitter. Criteria: CeGaT Center For Human Genetics Tuebingen Variant Classification Criteria Version 2. Collection method: clinical testing. Allele origin: germline. Affected: yes. Observed: 1 variant allele.
Comment: SLC25A21: PM2, BP4

NM_030631.4(SLC25A21):c.607C>T (p.Pro203Ser)

Gene: SLC25A21 (solute carrier family 25 member 21; minus strand). Cytogenetic location: 14q13.3.
Variant type: single nucleotide variant.
Coding change: c.607C>T on transcript NM_030631.4 (MANE Select); coding-DNA position 607, C replaced by T.
Protein change: p.Pro203Ser; replaces proline 203 with serine.
Molecular consequence: missense variant.
Genome position (GRCh38, 1-based): chr14:36,684,922, G>A on the plus strand (C>T on the coding strand, the complement: SLC25A21 is on the minus strand). VCF-style: chr14-36684922-G-A. GRCh37 (hg19) VCF-style: chr14-37154127-G-A.
Other names: c.607C>T, p.Pro203Ser (NM_001171170.2); short protein forms P203S.
Identifiers: ClinVar variation 2644181 (VCV002644181.24), dbSNP rs2502301864, ClinGen allele CA389465490.